The following is an entry in ClinVar:

NM_020320.5(RARS2):c.1013A>G (p.Asn338Ser)

Gene: RARS2 (arginyl-tRNA synthetase 2, mitochondrial; minus strand). Cytogenetic location: 6q15.
Variant type: single nucleotide variant.
Coding change: c.1013A>G on transcript NM_020320.5 (MANE Select); coding-DNA position 1013, A replaced by G.
Protein change: p.Asn338Ser; replaces asparagine 338 with serine.
Molecular consequence: missense variant. On other transcripts: non-coding transcript variant (23).
Genome position (GRCh38, 1-based): chr6:87,521,486, T>C on the plus strand (A>G on the coding strand, the complement: RARS2 is on the minus strand). VCF-style: chr6-87521486-T-C. GRCh37 (hg19) VCF-style: chr6-88231204-T-C.
Other names: c.488A>G, p.Asn163Ser (NM_001318785.2, NM_001350506.2, NM_001350507.2 and 4 more transcripts); c.1013A>G, p.Asn338Ser (NM_001350505.2); short protein forms N163S, N338S.
Identifiers: ClinVar variation 2421732 (VCV002421732.3), dbSNP rs150602849, ClinGen allele CA3916432.

ClinVar aggregate classification (germline): Uncertain significance (1 of 4 stars; one submission).

Allele frequency attached by ClinVar (database versions not stated): ExAC 0.00002; gnomAD exomes 0.00003; ESP Exome Variant Server 0.00008.
gnomAD v4.1: 45 of 1,611,642 alleles (0.0028%); highest among the groups gnomAD compares: Non-Finnish European, 0.0037%; no homozygotes.

Submission:

Labcorp Genetics (formerly Invitae), Labcorp
Classification: Uncertain significance. Last evaluated: 2022-09-27. Review status: criteria provided, single submitter. Criteria: Invitae Variant Classification Sherloc (09022015). Collection method: clinical testing. Allele origin: germline.
Comment: This sequence change replaces asparagine, which is neutral and polar, with serine, which is neutral and polar, at codon 338 of the RARS2 protein (p.Asn338Ser). This variant is present in population databases (rs150602849, gnomAD 0.003%). This variant has not been reported in the literature in individuals affected with RARS2-related conditions. Advanced modeling of protein sequence and biophysical properties (such as structural, functional, and spatial information, amino acid conservation, physicochemical variation, residue mobility, and thermodynamic stability) performed at Invitae indicates that this missense variant is not expected to disrupt RARS2 protein function. In summary, the available evidence is currently insufficient to determine the role of this variant in disease. Therefore, it has been classified as a Variant of Uncertain Significance.